The following is an entry in ClinVar:

ClinVar aggregate classification (germline): Uncertain significance (1 of 4 stars; one submission).

Conditions:
Brugada syndrome 8 (BRGDA8). Identifiers: Orphanet 130, MedGen C2751083, MONDO:0013148, OMIM 613123.

Submission:

Labcorp Genetics (formerly Invitae), Labcorp
Classification: Uncertain significance for Brugada syndrome 8. Last evaluated: 2024-01-29. Review status: criteria provided, single submitter. Criteria: Invitae Variant Classification Sherloc (09022015). Collection method: clinical testing. Allele origin: germline.
Comment: This sequence change replaces proline, which is neutral and non-polar, with serine, which is neutral and polar, at codon 1027 of the HCN4 protein (p.Pro1027Ser). This variant is not present in population databases (gnomAD no frequency). This variant has not been reported in the literature in individuals affected with HCN4-related conditions. Advanced modeling of protein sequence and biophysical properties (such as structural, functional, and spatial information, amino acid conservation, physicochemical variation, residue mobility, and thermodynamic stability) performed at Invitae indicates that this missense variant is not expected to disrupt HCN4 protein function with a negative predictive value of 95%. In summary, the available evidence is currently insufficient to determine the role of this variant in disease. Therefore, it has been classified as a Variant of Uncertain Significance.

NM_005477.3(HCN4):c.3079C>T (p.Pro1027Ser)

Gene: HCN4 (hyperpolarization activated cyclic nucleotide gated potassium channel 4; minus strand). Cytogenetic location: 15q24.1.
Variant type: single nucleotide variant.
Coding change: c.3079C>T on transcript NM_005477.3 (MANE Select); coding-DNA position 3079, C replaced by T.
Protein change: p.Pro1027Ser; replaces proline 1027 with serine.
Molecular consequence: missense variant.
Genome position (GRCh38, 1-based): chr15:73,323,014, G>A on the plus strand (C>T on the coding strand, the complement: HCN4 is on the minus strand). VCF-style: chr15-73323014-G-A. GRCh37 (hg19) VCF-style: chr15-73615355-G-A.
Other names: short protein forms P1027S.
Identifiers: ClinVar variation 2777805 (VCV002777805.3), dbSNP rs2042871964, ClinGen allele CA393086258.